The following is an entry in ClinVar:

ClinVar aggregate classification (germline): Uncertain significance. Review status: criteria provided, single submitter (1 of 4 stars). 2 submissions from 2 submitters: Uncertain significance (1). 1 of the submissions does not count toward it. Last evaluated 2026-06-04.

Conditions:
Inborn genetic diseases. Identifiers: MedGen C0950123, MeSH D030342.
PORCN-related disorder. Also called: PORCN-related condition.

gnomAD v4.1: 5 of 1,209,188 alleles (0.00041%); highest among the groups gnomAD compares: Non-Finnish European, 0.00056%; no homozygotes.

Submissions (2):

Ambry Genetics
Classification: Uncertain significance for Inborn genetic diseases. Last evaluated: 2026-06-04. Review status: criteria provided, single submitter. Criteria: Ambry Variant Classification Scheme 2023. Collection method: clinical testing. Allele origin: germline.

PreventionGenetics, part of Exact Sciences
Classification: Uncertain significance for PORCN-related condition. Last evaluated: 2024-09-05. Review status: no assertion criteria provided. Collection method: clinical testing. Allele origin: germline. Not counted in ClinVar's aggregate classification.
Comment: The PORCN c.269G>A variant is predicted to result in the amino acid substitution p.Arg90Gln. To our knowledge, this variant has not been reported in the literature. This variant is reported in 0.0024% of alleles in individuals of European (Non-Finnish) descent in gnomAD, including one hemizygote. At this time, the clinical significance of this variant is uncertain due to the absence of conclusive functional and genetic evidence.

NM_203475.3(PORCN):c.269G>A (p.Arg90Gln)

Gene: PORCN (porcupine O-acyltransferase; plus strand). Cytogenetic location: Xp11.23.
Variant type: single nucleotide variant.
Coding change: c.269G>A on transcript NM_203475.3 (MANE Select); coding-DNA position 269, G replaced by A.
Protein change: p.Arg90Gln; replaces arginine 90 with glutamine.
Molecular consequence: missense variant.
Genome position (GRCh38, 1-based): chrX:48,511,427, G>A. VCF-style: chrX-48511427-G-A. GRCh37 (hg19) VCF-style: chrX-48369815-G-A.
Other names: c.269G>A (NM_203475.1); c.56G>A, p.Arg19Gln (NM_001282167.2); c.269G>A, p.Arg90Gln (NM_022825.4, NM_203473.3, NM_203474.1); short protein forms R19Q, R90Q.
Identifiers: ClinVar variation 3351952 (VCV003351952.2).